The following is an entry in ClinVar:

ClinVar aggregate classification (germline): Uncertain significance (1 of 4 stars; one submission).

gnomAD v4.1: 2 of 1,613,924 alleles (0.00012%); highest among the groups gnomAD compares: African/African-American, 0.0027%; no homozygotes.

Submission:

GeneDx
Classification: Uncertain significance. Last evaluated: 2016-10-06. Review status: criteria provided, single submitter. Criteria: GeneDx Variant Classification (06012015). Collection method: clinical testing. Allele origin: germline. Affected: yes.
Comment: A variant of uncertain significance has been identified in the ARL13B gene. The A238T variant has not been published as a pathogenic variant, nor has it been reported as a benign variant to our knowledge. It was not observed in approximately 6,500 individuals of European and African American ancestry in the NHLBI Exome Sequencing Project, indicating it is not a common benign variant in these populations. The A238T variant is a non-conservative amino acid substitution, which is likely to impact secondary protein structure as these residues differ in polarity, charge, size and/or other properties. However, this substitution occurs at a position that is not conserved. In silico analysis is inconsistent in its predictions as to whether or not the variant is damaging to the protein structure/function. Therefore, based on the currently available information, it is unclear whether this variant is a pathogenic variant or a rare benign variant.

NM_001174150.2(ARL13B):c.712G>A (p.Ala238Thr)

Gene: ARL13B (ADP ribosylation factor like GTPase 13B; plus strand). Cytogenetic location: 3q11.2.
Variant type: single nucleotide variant.
Coding change: c.712G>A on transcript NM_001174150.2 (MANE Select); coding-DNA position 712, G replaced by A.
Protein change: p.Ala238Thr; replaces alanine 238 with threonine.
Molecular consequence: missense variant. On other transcripts: non-coding transcript variant (2).
Genome position (GRCh38, 1-based): chr3:94,039,902, G>A. VCF-style: chr3-94039902-G-A. GRCh37 (hg19) VCF-style: chr3-93758746-G-A.
Other names: c.403G>A, p.Ala135Thr (NM_001174151.2); c.667G>A, p.Ala223Thr (NM_001321328.2); c.391G>A, p.Ala131Thr (NM_144996.4); c.712G>A, p.Ala238Thr (NM_182896.3); short protein forms A238T, A131T, A223T, A135T.
Identifiers: ClinVar variation 389774 (VCV000389774.2), dbSNP rs754564518, ClinGen allele CA16604645.